The following is an entry in ClinVar:

ClinVar aggregate classification (germline): Uncertain significance (1 of 4 stars; one submission).

Conditions:
Dilated cardiomyopathy 1J (CMD1J). Also called: CARDIOMYOPATHY, DILATED, WITH SENSORINEURAL HEARING LOSS, AUTOSOMAL DOMINANT. Identifiers: Orphanet 217622, MedGen C1854368, MONDO:0011541, OMIM 605362.

gnomAD v4.1: 1 of 1,612,906 alleles (0.000062%); highest among the groups gnomAD compares: Non-Finnish European, 0.000085%; no homozygotes.

Submission:

Labcorp Genetics (formerly Invitae), Labcorp
Classification: Uncertain significance for Dilated cardiomyopathy 1J. Last evaluated: 2025-10-13. Review status: criteria provided, single submitter. Criteria: Invitae Variant Classification Sherloc (09022015). Collection method: clinical testing. Allele origin: germline.
Comment: This sequence change replaces asparagine, which is neutral and polar, with serine, which is neutral and polar, at codon 321 of the EYA4 protein (p.Asn321Ser). This variant is present in population databases (no rsID available, gnomAD 0.007%). This variant has not been reported in the literature in individuals affected with EYA4-related conditions. An algorithm developed to predict the effect of missense changes on protein structure and function outputs the following: PolyPhen-2: "Benign". The serine amino acid residue is found in multiple mammalian species, which suggests that this missense change does not adversely affect protein function. In summary, the available evidence is currently insufficient to determine the role of this variant in disease. Therefore, it has been classified as a Variant of Uncertain Significance.

NM_004100.5(EYA4):c.962A>G (p.Asn321Ser)

Gene: EYA4 (EYA transcriptional coactivator and phosphatase 4; plus strand). Cytogenetic location: 6q23.2.
Variant type: single nucleotide variant.
Coding change: c.962A>G on transcript NM_004100.5 (MANE Select); coding-DNA position 962, A replaced by G.
Protein change: p.Asn321Ser; replaces asparagine 321 with serine.
Molecular consequence: missense variant.
Genome position (GRCh38, 1-based): chr6:133,468,723, A>G. VCF-style: chr6-133468723-A-G. GRCh37 (hg19) VCF-style: chr6-133789861-A-G.
Other names: c.800A>G, p.Asn267Ser (NM_001301012.2, NM_001370459.1); c.962A>G, p.Asn321Ser (NM_001301013.2, NM_172105.4); c.893A>G, p.Asn298Ser (NM_001370458.1, NM_172103.4); short protein forms N321S, N267S, N298S.
Identifiers: ClinVar variation 4723572 (VCV004723572.1).